The following is an entry in ClinVar:

NM_000301.5(PLG):c.671T>G (p.Phe224Cys)

Gene: PLG (plasminogen; plus strand). Cytogenetic location: 6q26.
Variant type: single nucleotide variant.
Coding change: c.671T>G on transcript NM_000301.5 (MANE Select); coding-DNA position 671, T replaced by G.
Protein change: p.Phe224Cys; replaces phenylalanine 224 with cysteine.
Molecular consequence: missense variant.
Genome position (GRCh38, 1-based): chr6:160,716,647, T>G. VCF-style: chr6-160716647-T-G. GRCh37 (hg19) VCF-style: chr6-161137679-T-G.
Other names: short protein forms F224C.
Identifiers: ClinVar variation 3676548 (VCV003676548.2).

ClinVar aggregate classification (germline): Uncertain significance (1 of 4 stars; one submission).

Submission:

Labcorp Genetics (formerly Invitae), Labcorp
Classification: Uncertain significance. Last evaluated: 2024-09-08. Review status: criteria provided, single submitter. Criteria: Invitae Variant Classification Sherloc (09022015). Collection method: clinical testing. Allele origin: germline.
Comment: This sequence change replaces phenylalanine, which is neutral and non-polar, with cysteine, which is neutral and slightly polar, at codon 224 of the PLG protein (p.Phe224Cys). This variant is not present in population databases (gnomAD no frequency). This variant has not been reported in the literature in individuals affected with PLG-related conditions. An algorithm developed to predict the effect of missense changes on protein structure and function (PolyPhen-2) suggests that this variant is likely to be disruptive. In summary, the available evidence is currently insufficient to determine the role of this variant in disease. Therefore, it has been classified as a Variant of Uncertain Significance.